The following is an entry in ClinVar:

ClinVar aggregate classification (germline): Conflicting classifications of pathogenicity. Review status: criteria provided, conflicting classifications (1 of 4 stars). 2 submissions from 2 submitters: Likely pathogenic (1); Uncertain significance (1). Last evaluated 2024-07-15.

Conditions:
IMPDH2-related neurodevelopmental condition.

Submissions (2):

Undiagnosed Diseases Network, NIH
Classification: Likely pathogenic for IMPDH2-related neurodevelopmental condition. Last evaluated: 2024-07-15. Review status: criteria provided, single submitter. Criteria: ACMG Guidelines, 2015. Collection method: clinical testing. Allele origin: de novo. Affected: yes. Observed: 1 heterozygote. Study: Undiagnosed Diseases Network (NIH), UDN.

GeneDx
Classification: Uncertain significance. Last evaluated: 2024-04-24. Review status: criteria provided, single submitter. Criteria: GeneDx Variant Classification Process June 2021. Collection method: clinical testing. Allele origin: germline. Affected: yes.
Comment: Not observed in large population cohorts (gnomAD); In silico analysis supports that this missense variant has a deleterious effect on protein structure/function; Has not been previously published as pathogenic or benign to our knowledge

NM_000884.3(IMPDH2):c.593A>G (p.Asn198Ser)

Gene: IMPDH2 (inosine monophosphate dehydrogenase 2; minus strand). Cytogenetic location: 3p21.31.
Variant type: single nucleotide variant.
Coding change: c.593A>G on transcript NM_000884.3 (MANE Select); coding-DNA position 593, A replaced by G.
Protein change: p.Asn198Ser; replaces asparagine 198 with serine.
Molecular consequence: missense variant.
Genome position (GRCh38, 1-based): chr3:49,026,986, T>C on the plus strand (A>G on the coding strand, the complement: IMPDH2 is on the minus strand). VCF-style: chr3-49026986-T-C. GRCh37 (hg19) VCF-style: chr3-49064419-T-C.
Other names: p.N198S; c.593A>G, p.Asn198Ser (NM_001410759.1); c.518A>G, p.Asn173Ser (NM_001410760.1, NM_001410761.1); short protein forms N173S, N198S.
Identifiers: ClinVar variation 3253030 (VCV003253030.3), dbSNP rs2471630671.
Genomic context (GRCh38, chr3:49,026,986, plus strand): 5'-TAGTTCCAGGCCCTTTCCCAGCTCTAGGACTTACCCTTCTTGCTGCGCTGCAGAATTTCA[T>C]TTGCCTCCTTCAGTGTGATGCCTGCAGGGGCTACCACCAAGTCTTCCCTCTTTGTCATTA-3'
Protein context (NP_000875.2, residues 188-208): APAGITLKEA[Asn198Ser]EILQRSKKGK